The following is an entry in ClinVar:

ClinVar aggregate classification (germline): Uncertain significance (1 of 4 stars; one submission).

Conditions:
Familial melanoma. Also called: Hereditary melanoma; Hereditary cutaneous melanoma. Identifiers: Orphanet 618, MedGen C1512419, MONDO:0018961.

Submission:

Labcorp Genetics (formerly Invitae), Labcorp
Classification: Uncertain significance for Familial melanoma. Last evaluated: 2019-02-05. Review status: criteria provided, single submitter. Criteria: Invitae Variant Classification Sherloc (09022015). Collection method: clinical testing. Allele origin: germline.
Comment: In summary, the available evidence is currently insufficient to determine the role of this variant in disease. Therefore, it has been classified as a Variant of Uncertain Significance. The current clinical and genetic evidence is not sufficient to establish whether loss-of-function variants in CDK4 cause disease. This variant has not been reported in the literature in individuals with CDK4-related conditions. This variant is not present in population databases (ExAC no frequency). This sequence change creates a premature translational stop signal (p.Tyr103Leufs*56) in the CDK4 gene. It is expected to result in an absent or disrupted protein product.

NM_000075.4(CDK4):c.307dup (p.Tyr103fs)

Gene: CDK4 (cyclin dependent kinase 4; minus strand). Cytogenetic location: 12q14.1.
Variant type: Duplication.
Coding change: c.307dup on transcript NM_000075.4 (MANE Select); coding-DNA position 307, one base duplicated (T; older notation c.307dupT).
Protein change: p.Tyr103fs; shifts the reading frame from tyrosine 103.
Molecular consequence: frameshift variant.
Genome position (GRCh38, 1-based): chr12:57,751,254, A duplicated on the plus strand (T on the coding strand, the reverse complement: CDK4 is on the minus strand). VCF-style (leftmost placement, unchanged base first): chr12-57751253-T-TA. GRCh37 (hg19) VCF-style: chr12-58145036-T-TA.
Other names: short protein forms Y103fs.
Identifiers: ClinVar variation 837135 (VCV000837135.7), dbSNP rs1955233961, ClinGen allele CA916081676.
Genomic context (GRCh38, chr12:57,751,253, plus strand): 5'-CCAACCCCACTCACCTTGATCGTTTCGGCTGGCAAGCCTGGTGGGGGTGCCTTGTCCAGA[T>TA]ATGTCCTTAGGTCCTGGTCTACATGCTCAAACACCAGGGTTACCTTGATCTCCCGGTCAG-3'